The following is an entry in ClinVar:

NM_001378454.1(ALMS1):c.10213+1G>A

Gene: ALMS1 (ALMS1 centrosome and basal body associated protein; plus strand). Cytogenetic location: 2p13.1.
Variant type: single nucleotide variant.
Coding change: c.10213+1G>A on transcript NM_001378454.1 (MANE Select); the canonical splice donor site of the intron after coding-DNA position 10213, G replaced by A.
Molecular consequence: splice donor variant.
Genome position (GRCh38, 1-based): chr2:73,557,355, G>A. VCF-style: chr2-73557355-G-A. GRCh37 (hg19) VCF-style: chr2-73784482-G-A.
Other names: c.10216+1G>A (NM_015120.4); c.10213+1G>A (NM_015120.4).
Identifiers: ClinVar variation 558643 (VCV000558643.16), dbSNP rs374681570, ClinGen allele CA1714913.

ClinVar aggregate classification (germline): Conflicting classifications of pathogenicity. Review status: criteria provided, conflicting classifications (1 of 4 stars). 4 submissions from 4 submitters: Likely pathogenic (1); Uncertain significance (1). 2 of the submissions do not count toward it. Last evaluated 2025-10-28.

Conditions:
Cardiovascular phenotype. Identifiers: MedGen CN230736.
Alstrom syndrome (ALMS). Identifiers: Orphanet 64, MedGen C0268425, MONDO:0008763, OMIM 203800.

Allele frequency attached by ClinVar (database versions not stated): gnomAD exomes below 0.00001; ExAC 0.00001; ESP Exome Variant Server 0.00008.
gnomAD v4.1: 1 of 1,614,066 alleles (0.000062%); highest among the groups gnomAD compares: Non-Finnish European, 0.000085%; no homozygotes.

Submissions (4):

Labcorp Genetics (formerly Invitae), Labcorp
Classification: Likely pathogenic for Alstrom syndrome. Last evaluated: 2025-10-28. Review status: criteria provided, single submitter. Criteria: Invitae Variant Classification Sherloc (09022015). Collection method: clinical testing. Allele origin: germline.
Comment: This sequence change affects a donor splice site in intron 14 of the ALMS1 gene. It is expected to disrupt RNA splicing. Variants that disrupt the donor or acceptor splice site typically lead to a loss of protein function (PMID: 16199547), and loss-of-function variants in ALMS1 are known to be pathogenic (PMID: 17594715). This variant is present in population databases (rs374681570, gnomAD 0.0009%). This variant has not been reported in the literature in individuals affected with ALMS1-related conditions. ClinVar contains an entry for this variant (Variation ID: 558643). Algorithms developed to predict the effect of sequence changes on RNA splicing suggest that this variant may disrupt the consensus splice site. In summary, the currently available evidence indicates that the variant is pathogenic, but additional data are needed to prove that conclusively. Therefore, this variant has been classified as Likely Pathogenic.

Ambry Genetics
Classification: Uncertain significance for Cardiovascular phenotype. Last evaluated: 2023-08-07. Review status: criteria provided, single submitter. Criteria: Ambry Variant Classification Scheme 2023. Collection method: clinical testing. Allele origin: germline.
Comment: The c.10216+1G>A intronic variant results from a G to A substitution one nucleotide after coding exon 14 of the ALMS1 gene. Alterations that disrupt the canonical splice site are expected to result in aberrant splicing. In silico splice site analysis predicts that this alteration will weaken the native splice donor site. The resulting transcript is predicted to be in-frame and is not expected to trigger nonsense-mediated mRNAdecay; however, direct evidence is unavailable. The exact functional effect of the altered amino acid sequence is unknown. This nucleotide position is highly conserved in available vertebrate species. Since supporting evidence is limited at this time, the clinical significance of this alteration remains unclear.

Natera, Inc.
Classification: Likely pathogenic for Alstrom syndrome. Last evaluated: 2021-01-06. Review status: no assertion criteria provided. Collection method: clinical testing. Allele origin: germline. Not counted in ClinVar's aggregate classification.

Counsyl
Classification: Likely pathogenic for Alstrom syndrome. Last evaluated: 2018-06-04. Review status: no assertion criteria provided. Collection method: clinical testing. Allele origin: unknown. Not counted in ClinVar's aggregate classification.

Literature cited by the submitters: PubMed 16199547 (cited by Labcorp Genetics (formerly Invitae), Labcorp); PubMed 17594715 (cited by Labcorp Genetics (formerly Invitae), Labcorp).